The following is an entry in ClinVar:

NM_000548.5(TSC2):c.5415G>A (p.Glu1805=)

Gene: TSC2 (TSC complex subunit 2; plus strand). Cytogenetic location: 16p13.3.
Variant type: single nucleotide variant.
Coding change: c.5415G>A on transcript NM_000548.5 (MANE Select); coding-DNA position 5415, G replaced by A.
Protein change: p.Glu1805=; no amino-acid change (glutamic acid 1805 retained).
Molecular consequence: synonymous variant.
Genome position (GRCh38, 1-based): chr16:2,088,601, G>A. VCF-style: chr16-2088601-G-A. GRCh37 (hg19) VCF-style: chr16-2138602-G-A.
Other names: c.5214G>A, p.Glu1738= (NM_001077183.3); c.5346G>A, p.Glu1782= (NM_001114382.3); c.5106G>A, p.Glu1702= (NM_001318827.2); c.5070G>A, p.Glu1690= (NM_001318829.2); c.4683G>A, p.Glu1561= (NM_001318831.2); c.5247G>A, p.Glu1749= (NM_001318832.2); c.5217G>A, p.Glu1739= (NM_001363528.2); c.5283G>A, p.Glu1761= (NM_001370404.1); and 2 more.
Identifiers: ClinVar variation 536080 (VCV000536080.17), dbSNP rs982803529, ClinGen allele CA276760191.

ClinVar aggregate classification (germline): Benign/Likely benign. Review status: criteria provided, multiple submitters, no conflicts (2 of 4 stars). 6 submissions from 6 submitters: Benign (1); Likely benign (5). Last evaluated 2025-06-09.

Conditions:
Hereditary cancer-predisposing syndrome. Also called: Neoplastic Syndromes, Hereditary; Tumor predisposition; Hereditary Cancer Syndrome; Hereditary neoplastic syndrome. Identifiers: Orphanet 140162, MedGen C0027672, MeSH D009386, MONDO:0015356.
Tuberous sclerosis syndrome (TSC). Also called: Tuberous Sclerosis Complex; Tuberous sclerosis. Identifiers: Orphanet 805, MedGen C0041341, MONDO:0001734.
Tuberous sclerosis 2 (TSC2). Identifiers: Orphanet 805, MedGen C1860707, MONDO:0013199, OMIM 613254.
Isolated focal cortical dysplasia type II (FCORD2). Also called: Focal cortical dysplasia type II; CORTICAL DYSPLASIA OF TAYLOR. Identifiers: Orphanet 268994, MedGen C1846385, MONDO:0011818, OMIM 607341, HP:0032051.
Lymphangiomyomatosis (LAM). Also called: Lymphangioleiomyomatosis; Lymphangioleiomyomatosis, somatic. Identifiers: Orphanet 538, MedGen C0751674, MONDO:0011705, OMIM 606690.

Allele frequency attached by ClinVar (database versions not stated): gnomAD exomes 0.00001; TOPMed 0.00001; gnomAD 0.00002.
gnomAD v4.1: 7 of 1,604,134 alleles (0.00044%); highest among the groups gnomAD compares: African/African-American, 0.0013%; no homozygotes.

Submissions (6):

Myriad Genetics, Inc.
Classification: Benign for Tuberous sclerosis 2. Last evaluated: 2025-06-09. Review status: criteria provided, single submitter. Criteria: Myriad Autosomal Dominant, Autosomal Recessive and X-Linked Classification Criteria (2023). Collection method: clinical testing. Allele origin: unknown.
Comment: This variant is considered benign. This variant is a silent/synonymous amino acid change and it is not expected to impact splicing.

Labcorp Genetics (formerly Invitae), Labcorp
Classification: Likely benign for Tuberous sclerosis 2. Last evaluated: 2025-03-19. Review status: criteria provided, single submitter. Criteria: Invitae Variant Classification Sherloc (09022015). Collection method: clinical testing. Allele origin: germline.

All of Us Research Program, National Institutes of Health
Classification: Likely benign for Tuberous sclerosis syndrome. Last evaluated: 2023-04-10. Review status: criteria provided, single submitter. Criteria: ACMG Guidelines, 2015. Collection method: clinical testing. Allele origin: germline. Inheritance: Autosomal dominant inheritance. Observed: 1 variant allele, 1 heterozygote.
Comment: This study involves interpretation of variants in research participants for the purpose of population health screening. Participant phenotype was not available at the time of variant classification. Additional details can be found in publication PMID: 35346344, PMCID: PMC8962531

Color Diagnostics, LLC DBA Color Health
Classification: Likely benign for Tuberous sclerosis syndrome. Last evaluated: 2022-11-06. Review status: criteria provided, single submitter. Criteria: ACMG Guidelines, 2015. Collection method: clinical testing. Allele origin: germline.

Fulgent Genetics
Classification: Likely benign for Lymphangiomyomatosis; Isolated focal cortical dysplasia type II; Tuberous sclerosis 2. Last evaluated: 2022-01-02. Review status: criteria provided, single submitter. Criteria: ACMG Guidelines, 2015. Collection method: clinical testing. Allele origin: unknown.

Ambry Genetics
Classification: Likely benign for Hereditary cancer-predisposing syndrome. Last evaluated: 2021-02-03. Review status: criteria provided, single submitter. Criteria: Ambry Variant Classification Scheme 2023. Collection method: clinical testing. Allele origin: germline.